The following is an entry in ClinVar:

NM_002474.3(MYH11):c.3311C>T (p.Ala1104Val)

Gene: MYH11 (myosin heavy chain 11; minus strand). Cytogenetic location: 16p13.11.
Variant type: single nucleotide variant.
Coding change: c.3311C>T on transcript NM_002474.3 (MANE Select); coding-DNA position 3311, C replaced by T.
Protein change: p.Ala1104Val; replaces alanine 1104 with valine.
Molecular consequence: missense variant.
Genome position (GRCh38, 1-based): chr16:15,735,561, G>A on the plus strand (C>T on the coding strand, the complement: MYH11 is on the minus strand). VCF-style: chr16-15735561-G-A. GRCh37 (hg19) VCF-style: chr16-15829418-G-A.
Other names: c.3332C>T, p.Ala1111Val (NM_001040113.2, NM_001040114.2); c.3311C>T, p.Ala1104Val (NM_022844.3); short protein forms A1104V, A1111V.
Identifiers: ClinVar variation 318159 (VCV000318159.8), dbSNP rs886051759, ClinGen allele CA10643086.
Genomic context (GRCh38, chr16:15,735,561, plus strand): 5'-TGGAGGTCTGAGATGTGGCCCTCCAGCTCCCGGATCTTCTTCAGGGCATTGTTCTTCTGA[G>A]CGATTTCATCGTCAAGCCTTCCAGGGAGAGACCCAGCAGAATGAACCCCCAGGTCCCTTG-3'
Protein context (NP_002465.1, residues 1094-1114): AALARLDDEI[Ala1104Val]QKNNALKKIR

ClinVar aggregate classification (germline): Uncertain significance. Review status: criteria provided, multiple submitters, no conflicts (2 of 4 stars). 3 submissions from 3 submitters: Uncertain significance (3). Last evaluated 2026-03-09.

Conditions:
Familial thoracic aortic aneurysm and aortic dissection (TAAD). Also called: Thoracic aortic aneurysms and dissections. Identifiers: Orphanet 91387, MedGen C4707243, MONDO:0019625.

Allele frequency attached by ClinVar (database versions not stated): gnomAD exomes below 0.00001; TOPMed 0.00002.
gnomAD v4.1: 2 of 1,614,072 alleles (0.00012%); highest among the groups gnomAD compares: Non-Finnish European, 0.00017%; no homozygotes.

Submissions (3):

Ambry Genetics
Classification: Uncertain significance for Familial thoracic aortic aneurysm and aortic dissection. Last evaluated: 2026-03-09. Review status: criteria provided, single submitter. Criteria: Ambry Variant Classification Scheme 2023. Collection method: clinical testing. Allele origin: germline.
Comment: The p.A1104V variant (also known as c.3311C>T), located in coding exon 25 of the MYH11 gene, results from a C to T substitution at nucleotide position 3311. The alanine at codon 1104 is replaced by valine, an amino acid with similar properties. This amino acid position is conserved. In addition, this alteration is predicted to be tolerated by in silico analysis. Based on the available evidence, the clinical significance of this variant remains unclear.

Color Diagnostics, LLC DBA Color Health
Classification: Uncertain significance for Familial thoracic aortic aneurysm and aortic dissection. Last evaluated: 2025-09-08. Review status: criteria provided, single submitter. Criteria: ACMG Guidelines, 2015. Collection method: clinical testing. Allele origin: germline.
Comment: This missense variant replaces alanine with valine at codon 1111 of the MYH11 protein. Computational prediction suggests that this variant may not impact protein structure and function. To our knowledge, functional studies have not been reported for this variant. This variant has not been reported in individuals affected with MYH11-related disorders in the literature. This variant has been identified in 1/251452 chromosomes in the general population by the Genome Aggregation Database (gnomAD). The available evidence is insufficient to determine the role of this variant in disease conclusively. Therefore, this variant is classified as a Variant of Uncertain Significance.

All of Us Research Program, National Institutes of Health
Classification: Uncertain significance for Familial thoracic aortic aneurysm and aortic dissection. Last evaluated: 2023-08-23. Review status: criteria provided, single submitter. Criteria: ACMG Guidelines, 2015. Collection method: clinical testing. Allele origin: germline. Inheritance: Autosomal dominant inheritance. Observed: 1 variant allele, 1 heterozygote.
Comment: This missense variant replaces alanine with valine at codon 1111 of the MYH11 protein. Computational prediction suggests that this variant may not impact protein structure and function (internally defined REVEL score threshold <= 0.5, PMID: 27666373). To our knowledge, functional studies have not been reported for this variant. This variant has not been reported in individuals affected with MYH11-related disorders in the literature. This variant has been identified in 1/251452 chromosomes in the general population by the Genome Aggregation Database (gnomAD). The available evidence is insufficient to determine the role of this variant in disease conclusively. Therefore, this variant is classified as a Variant of Uncertain Significance.

This study involves interpretation of variants in research participants for the purpose of population health screening. Participant phenotype was not available at the time of variant classification. Additional details can be found in publication PMID: 35346344, PMCID: PMC8962531